The following is an entry in ClinVar:

NM_001369268.1(ACAN):c.7612_7613delinsGG (p.Gln2538Gly)

Gene: ACAN (aggrecan; plus strand). Cytogenetic location: 15q26.1.
Variant type: Indel.
Coding change: c.7612_7613delinsGG on transcript NM_001369268.1 (MANE Select); coding-DNA positions 7612 to 7613, CA replaced by GG.
Protein change: p.Gln2538Gly; replaces glutamine 2538 with glycine.
Molecular consequence: missense variant. On other transcripts: intron variant (1).
Genome position (GRCh38, 1-based): chr15:88,874,006-88,874,007, CA replaced by GG. VCF-style: chr15-88874006-CA-GG. GRCh37 (hg19) VCF-style: chr15-89417237-CA-GG.
Other names: c.7384_7385delinsGG, p.Gln2462Gly (NM_001411096.1); c.7498_7499delinsGG, p.Gln2500Gly (NM_001411097.1, NM_013227.4); c.7220-399_7220-398delinsGG (NM_001135.4); short protein forms Q2462G, Q2500G, Q2538G.
Identifiers: ClinVar variation 3610064 (VCV003610064.2).

ClinVar aggregate classification (germline): Uncertain significance (1 of 4 stars; one submission).

Submission:

Labcorp Genetics (formerly Invitae), Labcorp
Classification: Uncertain significance. Last evaluated: 2024-10-19. Review status: criteria provided, single submitter. Criteria: Invitae Variant Classification Sherloc (09022015). Collection method: clinical testing. Allele origin: germline.
Comment: This sequence change replaces glutamine, which is neutral and polar, with glycine, which is neutral and non-polar, at codon 2500 of the ACAN protein (p.Gln2500Gly). Information on the frequency of this variant in the gnomAD database is not available, as this variant may be reported differently in the database. This variant has not been reported in the literature in individuals affected with ACAN-related conditions. An algorithm developed to predict the effect of missense changes on protein structure and function (PolyPhen-2) suggests that this variant is likely to be tolerated. In summary, the available evidence is currently insufficient to determine the role of this variant in disease. Therefore, it has been classified as a Variant of Uncertain Significance.